The following is an entry in ClinVar:

NM_001184.4(ATR):c.4796T>C (p.Leu1599Pro)

Gene: ATR (ATR checkpoint kinase; minus strand). Cytogenetic location: 3q23.
Variant type: single nucleotide variant.
Coding change: c.4796T>C on transcript NM_001184.4 (MANE Select); coding-DNA position 4796, T replaced by C.
Protein change: p.Leu1599Pro; replaces leucine 1599 with proline.
Molecular consequence: missense variant.
Genome position (GRCh38, 1-based): chr3:142,512,316, A>G on the plus strand (T>C on the coding strand, the complement: ATR is on the minus strand). VCF-style: chr3-142512316-A-G. GRCh37 (hg19) VCF-style: chr3-142231158-A-G.
Other names: c.4604T>C, p.Leu1535Pro (NM_001354579.2); short protein forms L1599P, L1535P.
Identifiers: ClinVar variation 1743136 (VCV001743136.2), dbSNP rs749750765, ClinGen allele CA2649766.

ClinVar aggregate classification (germline): Uncertain significance (1 of 4 stars; one submission).

Conditions:
Inborn genetic diseases. Identifiers: MedGen C0950123, MeSH D030342.

Allele frequency attached by ClinVar (database versions not stated): gnomAD exomes below 0.00001; ExAC 0.00001.
gnomAD v4.1: 1 of 1,613,300 alleles (0.000062%); highest among the groups gnomAD compares: Non-Finnish European, 0.000085%; no homozygotes.

Submission:

Ambry Genetics
Classification: Uncertain significance for Inborn genetic diseases. Last evaluated: 2021-07-25. Review status: criteria provided, single submitter. Criteria: Ambry Variant Classification Scheme 2023. Collection method: clinical testing. Allele origin: germline.
Comment: The p.L1599P variant (also known as c.4796T>C), located in coding exon 27 of the ATR gene, results from a T to C substitution at nucleotide position 4796. The leucine at codon 1599 is replaced by proline, an amino acid with similar properties. This amino acid position is conserved. In addition, the in silico prediction for this alteration is inconclusive. Since supporting evidence is limited at this time, the clinical significance of this alteration remains unclear.